The following is an entry in ClinVar:

ClinVar aggregate classification (germline): Uncertain significance (1 of 4 stars; one submission).

Submission:

GeneDx
Classification: Uncertain significance. Last evaluated: 2026-03-17. Review status: criteria provided, single submitter. Criteria: GeneDx Variant Classification Process June 2021. Collection method: clinical testing. Allele origin: germline.
Comment: Not observed at significant frequency in large population cohorts (gnomAD); In-frame deletion of 1 amino acid in a non-repeat region; In silico analysis supports a deleterious effect on protein structure/function; Has not been previously published as pathogenic or benign to our knowledge

NM_015030.2(FRYL):c.47TCA[1] (p.Ile17del)

Gene: FRYL (FRY like transcription coactivator; minus strand). Cytogenetic location: 4p11.
Variant type: Microsatellite.
Coding change: c.47TCA[1] on transcript NM_015030.2 (MANE Select); one copy of the 3-base unit TCA starting at c.47; the reference has two copies in a row; one copy, 3 bases deleted.
Protein change: p.Ile17del; deletes isoleucine 17.
Molecular consequence: inframe deletion.
Genome position (GRCh38, 1-based): chr4:48,634,359-48,634,361, TGA deleted on the plus strand (TCA on the coding strand, the reverse complement: FRYL is on the minus strand); deleting any 3 consecutive bases within chr4:48,634,359-48,634,364 gives the same sequence; the position shown is the placement nearest the transcript's 3' end. VCF-style (leftmost placement, unchanged base first): chr4-48634358-TTGA-T. GRCh37 (hg19) VCF-style: chr4-48636375-TTGA-T.
Other names: short protein forms I17del.
Identifiers: ClinVar variation 5009391 (VCV005009391.1).